The following is an entry in ClinVar:

ClinVar aggregate classification (germline): Pathogenic (1 of 4 stars; one submission).

Conditions:
Carnitine acylcarnitine translocase deficiency (CACTD). Identifiers: Orphanet 159, MedGen C0342791, MONDO:0008918, OMIM 212138.

Submission:

Labcorp Genetics (formerly Invitae), Labcorp
Classification: Pathogenic for Carnitine acylcarnitine translocase deficiency. Last evaluated: 2023-12-11. Review status: criteria provided, single submitter. Criteria: Invitae Variant Classification Sherloc (09022015). Collection method: clinical testing. Allele origin: germline.
Comment: This variant is a gross deletion of the genomic region encompassing exon(s) 2 of the SLC25A20 gene. This variant would be expected to be in-frame, preserving the integrity of the reading frame. This variant has not been reported in the literature in individuals affected with SLC25A20-related conditions. This variant disrupts a region of the SLC25A20 protein in which other variant(s) (p.Gly54_Thr55delinsTrpAla) have been determined to be pathogenic (PMID: 5365988, 21605995, 25614308). This suggests that this is a clinically significant region of the protein, and that variants that disrupt it are likely to be disease-causing. For these reasons, this variant has been classified as Pathogenic.

Literature cited by the submitters: PubMed 5365988; PubMed 21605995; PubMed 25614308.

NC_000003.11:g.(?_48929393)_(48929525_?)del

Gene: SLC25A20 (solute carrier family 25 member 20; minus strand). Cytogenetic location: 3p21.31.
Variant type: Deletion.
Identifiers: ClinVar variation 2422997 (VCV002422997.4).